The following is an entry in ClinVar:

NM_000219.6(KCNE1):c.286C>T (p.Gln96Ter)

Gene: KCNE1 (potassium voltage-gated channel subfamily E regulatory subunit 1; minus strand). Cytogenetic location: 21q22.12.
Variant type: single nucleotide variant.
Coding change: c.286C>T on transcript NM_000219.6 (MANE Select); coding-DNA position 286, C replaced by T.
Protein change: p.Gln96Ter; replaces glutamine 96 with a stop codon.
Molecular consequence: nonsense.
Genome position (GRCh38, 1-based): chr21:34,449,349, G>A on the plus strand (C>T on the coding strand, the complement: KCNE1 is on the minus strand). VCF-style: chr21-34449349-G-A. GRCh37 (hg19) VCF-style: chr21-35821647-G-A.
Other names: c.286C>T, p.Gln96Ter (NM_001127668.4, NM_001127669.4, NM_001127670.4 and 4 more transcripts); short protein forms Q96*.
Identifiers: ClinVar variation 3374538 (VCV003374538.2).

Conditions:
Long QT syndrome 5 (LQT5). Identifiers: Orphanet 101016, Orphanet 768, MedGen C1867904, MONDO:0013372, OMIM 613695.

Submission:

Roden Lab, Vanderbilt University Medical Center
No classification provided (evidence only). Condition: Long QT syndrome 5. Review status: no classification provided. Collection method: in vitro. Allele origin: not applicable. Functional consequence: Effect on ion channel function.
ClinVar note: "not provided" was previously submitted as the classification for the variant. However, the classification appeared to be based only on an observation of functional data so it was converted to no classification on 2025-07-30.